The following is an entry in ClinVar:

ClinVar aggregate classification (germline): Uncertain significance (1 of 4 stars; one submission).

Allele frequency attached by ClinVar (database versions not stated): gnomAD exomes below 0.00001; gnomAD 0.00001 and 0.00002; TOPMed 0.00001; ExAC 0.00003; ESP Exome Variant Server 0.00008.
gnomAD v4.1: 3 of 1,585,794 alleles (0.00019%); highest among the groups gnomAD compares: African/African-American, 0.004%; no homozygotes.

Submission:

GeneDx
Classification: Uncertain significance. Last evaluated: 2021-04-28. Review status: criteria provided, single submitter. Criteria: GeneDx Variant Classification Process June 2021. Collection method: clinical testing. Allele origin: germline. Affected: yes.
Comment: Not observed at a significant frequency in large population cohorts (Lek et al., 2016); In silico analysis supports that this missense variant does not alter protein structure/function; Has not been previously published as pathogenic or benign to our knowledge

NM_002768.5(CHMP1A):c.552G>C (p.Glu184Asp)

Gene: CHMP1A (charged multivesicular body protein 1A; minus strand). Cytogenetic location: 16q24.3.
Variant type: single nucleotide variant.
Coding change: c.552G>C on transcript NM_002768.5 (MANE Select); coding-DNA position 552, G replaced by C.
Protein change: p.Glu184Asp; replaces glutamic acid 184 with aspartic acid.
Molecular consequence: missense variant. On other transcripts: non-coding transcript variant (1).
Genome position (GRCh38, 1-based): chr16:89,646,544, C>G on the plus strand (G>C on the coding strand, the complement: CHMP1A is on the minus strand). VCF-style: chr16-89646544-C-G. GRCh37 (hg19) VCF-style: chr16-89712952-C-G.
Other names: c.532G>C, p.Gly178Arg (NM_001083314.4); short protein forms E184D, G178R.
Identifiers: ClinVar variation 1314783 (VCV001314783.2), dbSNP rs375912713, ClinGen allele CA8246947.
Genomic context (GRCh38, chr16:89,646,544, plus strand): 5'-GAGCGTGGGGTTGGTGACACAGCGTTTCGGGGACCGACCCTACCTCCGTGACAGCTGGTC[C>G]TCCTGGCTGCGCACAGAGCTCTCGCCCACGGCAGAGGCGCCCTCGGGCAGCTGGCTGAGC-3'
Protein context (NP_002759.2, residues 174-194): AVGESSVRSQ[Glu184Asp]DQLSRRLAAL